The following is an entry in ClinVar:

ClinVar aggregate classification (germline): Conflicting classifications of pathogenicity. Review status: criteria provided, conflicting classifications (1 of 4 stars). 2 submissions from 2 submitters: Uncertain significance (1); Likely benign (1). Last evaluated 2026-07-30.

Conditions:
Hereditary cancer-predisposing syndrome. Also called: Neoplastic Syndromes, Hereditary; Hereditary Cancer Syndrome; Hereditary neoplastic syndrome; Tumor predisposition. Identifiers: Orphanet 140162, MedGen C0027672, MeSH D009386, MONDO:0015356.
Renal cell carcinoma. Identifiers: Orphanet 217071, MedGen C0007134, MeSH D002292, MONDO:0005086, HP:0005584.

Allele frequency attached by ClinVar (database versions not stated): gnomAD exomes below 0.00001.
gnomAD v4.1: 1 of 1,614,144 alleles (0.000062%); highest among the groups gnomAD compares: Non-Finnish European, 0.000085%; no homozygotes.

Submissions (2):

Ambry Genetics
Classification: Likely benign for Hereditary cancer-predisposing syndrome. Last evaluated: 2026-07-30. Review status: criteria provided, single submitter. Criteria: Ambry Variant Classification Scheme 2023. Collection method: clinical testing. Allele origin: germline.

Labcorp Genetics (formerly Invitae), Labcorp
Classification: Uncertain significance for Renal cell carcinoma. Last evaluated: 2025-06-29. Review status: criteria provided, single submitter. Criteria: Invitae Variant Classification Sherloc (09022015). Collection method: clinical testing. Allele origin: germline.
Comment: This sequence change replaces isoleucine, which is neutral and non-polar, with phenylalanine, which is neutral and non-polar, at codon 505 of the MET protein (p.Ile505Phe). This variant is not present in population databases (gnomAD no frequency). This variant has not been reported in the literature in individuals affected with MET-related conditions. ClinVar contains an entry for this variant (Variation ID: 648758). Invitae Evidence Modeling of protein sequence and biophysical properties (such as structural, functional, and spatial information, amino acid conservation, physicochemical variation, residue mobility, and thermodynamic stability) indicates that this missense variant is not expected to disrupt MET protein function with a negative predictive value of 80%. In summary, the available evidence is currently insufficient to determine the role of this variant in disease. Therefore, it has been classified as a Variant of Uncertain Significance.

NM_000245.4(MET):c.1513A>T (p.Ile505Phe)

Gene: MET (MET proto-oncogene, receptor tyrosine kinase; plus strand). Cytogenetic location: 7q31.2.
Variant type: single nucleotide variant.
Coding change: c.1513A>T on transcript NM_000245.4 (MANE Select); coding-DNA position 1513, A replaced by T.
Protein change: p.Ile505Phe; replaces isoleucine 505 with phenylalanine.
Molecular consequence: missense variant.
Genome position (GRCh38, 1-based): chr7:116,740,070, A>T. VCF-style: chr7-116740070-A-T. GRCh37 (hg19) VCF-style: chr7-116380124-A-T.
Other names: c.1513A>T, p.Ile505Phe (NM_001127500.3, NM_001324401.3); c.223A>T, p.Ile75Phe (NM_001324402.2); short protein forms I75F, I505F.
Identifiers: ClinVar variation 648758 (VCV000648758.12), dbSNP rs1584922200, ClinGen allele CA368974315.